The following is an entry in ClinVar:

ClinVar aggregate classification (germline): Uncertain significance (1 of 4 stars; one submission).

Conditions:
Leukocyte adhesion deficiency 3. Also called: INTEGRIN ACTIVATION DEFICIENCY DISEASE; LEUKOCYTE ADHESION DEFICIENCY 1 VARIANT; Leukocyte adhesion deficiency, type III. Identifiers: Orphanet 2968, Orphanet 99844, MedGen C2748536, MONDO:0013016, OMIM 612840.

Allele frequency attached by ClinVar (database versions not stated): ExAC 0.00001; gnomAD exomes 0.00001 and 0.00003; TOPMed 0.00007; gnomAD 0.00010; 1000 Genomes Project 30x 0.00016; 1000 Genomes Project 0.00020.

Submission:

Labcorp Genetics (formerly Invitae), Labcorp
Classification: Uncertain significance for Leukocyte adhesion deficiency 3. Last evaluated: 2019-10-03. Review status: criteria provided, single submitter. Criteria: Invitae Variant Classification Sherloc (09022015). Collection method: clinical testing. Allele origin: germline.
Comment: This sequence change replaces alanine with valine at codon 2 of the FERMT3 protein (p.Ala2Val). The alanine residue is highly conserved and there is a small physicochemical difference between alanine and valine. This variant is present in population databases (rs551546723, ExAC 0.01%). This variant has not been reported in the literature in individuals with FERMT3-related conditions. Algorithms developed to predict the effect of missense changes on protein structure and function are either unavailable or do not agree on the potential impact of this missense change (SIFT: "Tolerated"; PolyPhen-2: "Possibly Damaging"; Align-GVGD: "Class C0"). Algorithms developed to predict the effect of sequence changes on RNA splicing suggest that this variant may create or strengthen a splice site, but this prediction has not been confirmed by published transcriptional studies. In summary, the available evidence is currently insufficient to determine the role of this variant in disease. Therefore, it has been classified as a Variant of Uncertain Significance.

NM_031471.6(FERMT3):c.5C>T (p.Ala2Val)

Genes: FERMT3 (FERM domain containing kindlin 3; plus strand), LOC130005912 (ATAC-STARR-seq lymphoblastoid active region 4886; plus strand). Cytogenetic location: 11q13.1.
Variant type: single nucleotide variant.
Coding change: c.5C>T on transcript NM_031471.6 (MANE Select); coding-DNA position 5, C replaced by T.
Protein change: p.Ala2Val; replaces alanine 2 with valine.
Molecular consequence: missense variant.
Genome position (GRCh38, 1-based): chr11:64,207,369, C>T. VCF-style: chr11-64207369-C-T. GRCh37 (hg19) VCF-style: chr11-63974841-C-T.
Other names: c.5C>T, p.Ala2Val (NM_001382361.1, NM_001382362.1, NM_001382448.1 and 1 more transcripts); short protein forms A2V.
Identifiers: ClinVar variation 940984 (VCV000940984.10), dbSNP rs551546723, ClinGen allele CA6068607.